The following is an entry in ClinVar:

NM_013275.6(ANKRD11):c.4891C>T (p.Arg1631Trp)

Gene: ANKRD11 (ankyrin repeat domain 11; minus strand). Cytogenetic location: 16q24.3.
Variant type: single nucleotide variant.
Coding change: c.4891C>T on transcript NM_013275.6 (MANE Select); coding-DNA position 4891, C replaced by T.
Protein change: p.Arg1631Trp; replaces arginine 1631 with tryptophan.
Molecular consequence: missense variant.
Genome position (GRCh38, 1-based): chr16:89,281,651, G>A on the plus strand (C>T on the coding strand, the complement: ANKRD11 is on the minus strand). VCF-style: chr16-89281651-G-A. GRCh37 (hg19) VCF-style: chr16-89348059-G-A.
Other names: c.4891C>T, p.Arg1631Trp (NM_001256182.2, NM_001256183.2); short protein forms R1631W.
Identifiers: ClinVar variation 1743863 (VCV001743863.5), dbSNP rs1402377065, ClinGen allele CA397156508.

ClinVar aggregate classification (germline): Uncertain significance. Review status: criteria provided, multiple submitters, no conflicts (2 of 4 stars). 2 submissions from 2 submitters: Uncertain significance (2). Last evaluated 2023-05-20.

Conditions:
KBG syndrome (KBGS). Also called: ANKRD11-Related KBG Syndrome. Identifiers: Orphanet 2332, MedGen C0220687, MONDO:0007846, OMIM 148050.
Inborn genetic diseases. Identifiers: MedGen C0950123, MeSH D030342.

Allele frequency attached by ClinVar (database versions not stated): gnomAD exomes 0.00001; gnomAD 0.00001.
gnomAD v4.1: 14 of 1,613,998 alleles (0.00087%); highest among the groups gnomAD compares: East Asian, 0.0045%; no homozygotes.

Submissions (2):

Labcorp Genetics (formerly Invitae), Labcorp
Classification: Uncertain significance for KBG syndrome. Last evaluated: 2023-05-20. Review status: criteria provided, single submitter. Criteria: Invitae Variant Classification Sherloc (09022015). Collection method: clinical testing. Allele origin: germline.
Comment: In summary, the available evidence is currently insufficient to determine the role of this variant in disease. Therefore, it has been classified as a Variant of Uncertain Significance. This sequence change replaces arginine, which is basic and polar, with tryptophan, which is neutral and slightly polar, at codon 1631 of the ANKRD11 protein (p.Arg1631Trp). This variant is present in population databases (no rsID available, gnomAD 0.006%). This variant has not been reported in the literature in individuals affected with ANKRD11-related conditions. ClinVar contains an entry for this variant (Variation ID: 1743863). Advanced modeling of protein sequence and biophysical properties (such as structural, functional, and spatial information, amino acid conservation, physicochemical variation, residue mobility, and thermodynamic stability) performed at Invitae indicates that this missense variant is not expected to disrupt ANKRD11 protein function.

Ambry Genetics
Classification: Uncertain significance for Inborn genetic diseases. Last evaluated: 2020-08-25. Review status: criteria provided, single submitter. Criteria: Ambry Variant Classification Scheme 2023. Collection method: clinical testing. Allele origin: germline.
Comment: The p.R1631W variant (also known as c.4891C>T), located in coding exon 7 of the ANKRD11 gene, results from a C to T substitution at nucleotide position 4891. The arginine at codon 1631 is replaced by tryptophan, an amino acid with dissimilar properties. This amino acid position is highly conserved in available vertebrate species. In addition, this alteration is predicted to be tolerated by in silico analysis. Since supporting evidence is limited at this time, the clinical significance of this alteration remains unclear.